The following is an entry in ClinVar:

NM_018429.3(BDP1):c.4433A>G (p.Glu1478Gly)

Gene: BDP1 (BDP1 general transcription factor IIIB subunit; plus strand). Cytogenetic location: 5q13.2.
Variant type: single nucleotide variant.
Coding change: c.4433A>G on transcript NM_018429.3 (MANE Select); coding-DNA position 4433, A replaced by G.
Protein change: p.Glu1478Gly; replaces glutamic acid 1478 with glycine.
Molecular consequence: missense variant.
Genome position (GRCh38, 1-based): chr5:71,513,370, A>G. VCF-style: chr5-71513370-A-G. GRCh37 (hg19) VCF-style: chr5-70809197-A-G.
Other names: short protein forms E1478G.
Identifiers: ClinVar variation 2207525 (VCV002207525.3), dbSNP rs1765042551, ClinGen allele CA360008186.

ClinVar aggregate classification (germline): Uncertain significance. Review status: criteria provided, multiple submitters, no conflicts (2 of 4 stars). 2 submissions from 2 submitters: Uncertain significance (2). Last evaluated 2025-10-10.

Conditions:
BDP1-related disorder. Also called: BDP1-related condition.

Allele frequency attached by ClinVar (database versions not stated): gnomAD exomes below 0.00001.
gnomAD v4.1: 7 of 1,596,908 alleles (0.00044%); highest among the groups gnomAD compares: African/African-American, 0.0068%; no homozygotes.

Submissions (2):

PreventionGenetics, part of Exact Sciences
Classification: Uncertain significance for BDP1-related condition. Last evaluated: 2025-10-10. Review status: criteria provided, single submitter. Criteria: ACMG Guidelines, 2015. Collection method: clinical testing. Allele origin: germline.
Comment: The BDP1 c.4433A>G variant is predicted to result in the amino acid substitution p.Glu1478Gly. To our knowledge, this variant has not been reported in the literature or in a large population database (gnomAD), indicating this variant is rare. At this time, the clinical significance of this variant is uncertain due to the absence of conclusive functional and genetic evidence.

Ambry Genetics
Classification: Uncertain significance. Last evaluated: 2022-04-06. Review status: criteria provided, single submitter. Criteria: Ambry Variant Classification Scheme 2023. Collection method: clinical testing. Allele origin: germline.